The following is an entry in ClinVar:

NM_014000.3(VCL):c.1872+199A>C

Gene: VCL (vinculin; plus strand). Cytogenetic location: 10q22.2.
Variant type: single nucleotide variant.
Coding change: c.1872+199A>C on transcript NM_014000.3 (MANE Select); 199 bases into the intron after coding-DNA position 1872, A replaced by C.
Molecular consequence: intron variant.
Genome position (GRCh38, 1-based): chr10:74,097,531, A>C. VCF-style: chr10-74097531-A-C. GRCh37 (hg19) VCF-style: chr10-75857289-A-C.
Other names: c.1872+199A>C (NM_003373.4).
Identifiers: ClinVar variation 675435 (VCV000675435.2), dbSNP rs74146325, ClinGen allele CA209704468.

ClinVar aggregate classification (germline): Benign. Review status: criteria provided, multiple submitters, no conflicts (2 of 4 stars). 2 submissions from 2 submitters: Benign (2). Last evaluated 2018-06-16.

Allele frequency attached by ClinVar (database versions not stated): 1000 Genomes Project 0.03694; gnomAD 0.03871 and 0.04163; 1000 Genomes Project 30x 0.04185; TOPMed 0.04402.
gnomAD v4.1: 5,839 of 152,304 alleles (3.8%); highest among the groups gnomAD compares: African/African-American, 13%; 420 homozygotes.

Submissions (2):

GeneDx
Classification: Benign. Last evaluated: 2018-06-16. Review status: criteria provided, single submitter. Criteria: GeneDx Variant Classification (06012015). Collection method: clinical testing. Allele origin: germline. Affected: yes.
Comment: This variant is considered likely benign or benign based on one or more of the following criteria: it is a conservative change, it occurs at a poorly conserved position in the protein, it is predicted to be benign by multiple in silico algorithms, and/or has population frequency not consistent with disease.

Breakthrough Genomics
Classification: Benign. Review status: criteria provided, single submitter. Criteria: ACMG Guidelines, 2015. Collection method: not provided. Allele origin: germline. Inheritance: Autosomal dominant inheritance. Affected: yes.